The following is an entry in ClinVar:

NM_198578.4(LRRK2):c.7409T>A (p.Met2470Lys)

Gene: LRRK2 (leucine rich repeat kinase 2; plus strand). Cytogenetic location: 12q12.
Variant type: single nucleotide variant.
Coding change: c.7409T>A on transcript NM_198578.4 (MANE Select); coding-DNA position 7409, T replaced by A.
Protein change: p.Met2470Lys; replaces methionine 2470 with lysine.
Molecular consequence: missense variant.
Genome position (GRCh38, 1-based): chr12:40,367,024, T>A. VCF-style: chr12-40367024-T-A. GRCh37 (hg19) VCF-style: chr12-40760826-T-A.
Other names: short protein forms M2470K.
Identifiers: ClinVar variation 3291970 (VCV003291970.1).
Genomic context (GRCh38, chr12:40,367,024, plus strand): 5'-TATAGTTTTAACAGAAAACTTACATATTTTGTTTTTGTAAAGGAAGCCTTAAAAATGTCA[T>A]GCTGGTATTGGGCTACAACCGGAAAAATACTGAAGGTACACAAAAGCAGAAAGGTAACAT-3'
Protein context (NP_940980.4, residues 2460-2480): TAQLGSLKNV[Met2470Lys]LVLGYNRKNT

ClinVar aggregate classification (germline): Uncertain significance (1 of 4 stars; one submission).

Conditions:
Inborn genetic diseases. Identifiers: MedGen C0950123, MeSH D030342.

gnomAD v4.1: 5 of 1,609,544 alleles (0.00031%); highest among the groups gnomAD compares: Non-Finnish European, 0.00042%; no homozygotes.

Submission:

Ambry Genetics
Classification: Uncertain significance for Inborn genetic diseases. Last evaluated: 2024-04-20. Review status: criteria provided, single submitter. Criteria: Ambry Variant Classification Scheme 2023. Collection method: clinical testing. Allele origin: germline.
Comment: The p.M2470K variant (also known as c.7409T>A), located in coding exon 50 of the LRRK2 gene, results from a T to A substitution at nucleotide position 7409. The methionine at codon 2470 is replaced by lysine, an amino acid with similar properties. This amino acid position is conserved. In addition, the in silico prediction for this alteration is inconclusive. Based on the available evidence, the clinical significance of this variant remains unclear.